The following is an entry in ClinVar:

ClinVar aggregate classification (germline): Conflicting classifications of pathogenicity. Review status: criteria provided, conflicting classifications (1 of 4 stars). 7 submissions from 7 submitters: Uncertain significance (3); Likely benign (3). 1 of the submissions does not count toward it. Last evaluated 2026-08-11.

Conditions:
Cardiovascular phenotype. Identifiers: MedGen CN230736.
Familial hypobetalipoproteinemia 1. Also called: Hypobetalipoproteinemia, normotriglyceridemic; Acanthocytosis with hypobetalipoproteinemia; APOB-Related Familial Hypobetalipoproteinemia. Identifiers: MedGen C4551990, MONDO:0014252, OMIM 615558.
Hypercholesterolemia, autosomal dominant, type B (FHCL2). Also called: Familial Hypercholesterolemia Type B; APOB-Related Familial Hypercholesterolemia, Autosomal Dominant; HYPERCHOLESTEROLEMIA, FAMILIAL, DUE TO LIGAND-DEFECTIVE APOLIPOPROTEIN B; Familial hypercholesterolemia 2; APOLIPOPROTEIN B-100, FAMILIAL DEFECTIVE; APOLIPOPROTEIN B-100, FAMILIAL LIGAND-DEFECTIVE. Identifiers: MedGen C1704417, MONDO:0007751, OMIM 144010.
Familial hypercholesterolemia. Also called: Familial hypercholesterolemias; Familial hypercholesterolaemia. Identifiers: MedGen C0020445, MONDO:0005439.

Allele frequency attached by ClinVar (database versions not stated): gnomAD 0.00001; TOPMed 0.00003.
gnomAD v4.1: 93 of 1,613,798 alleles (0.0058%); highest among the groups gnomAD compares: East Asian, 0.018%; no homozygotes.

Submissions (7):

Cambridge Genomics Laboratory, East Genomic Laboratory Hub, NHS Genomic Medicine Service
Classification: Uncertain significance for Familial hypercholesterolaemia. Last evaluated: 2026-08-11. Review status: criteria provided, single submitter. Criteria: ACGS Best Practice Guidelines for Variant Classification in Rare Disease 2020. Collection method: clinical testing. Allele origin: germline. Affected: yes.
Comment: PS4_Supporting,PM1,PM2_Supporting

Labcorp Genetics (formerly Invitae), Labcorp
Classification: Likely benign for Familial hypobetalipoproteinemia 1; Hypercholesterolemia, autosomal dominant, type B. Last evaluated: 2026-01-09. Review status: criteria provided, single submitter. Criteria: Invitae Variant Classification Sherloc (09022015). Collection method: clinical testing. Allele origin: germline.

Quest Diagnostics Nichols Institute San Juan Capistrano
Classification: Uncertain significance. Last evaluated: 2023-05-23. Review status: criteria provided, single submitter. Criteria: Quest Diagnostics criteria. Collection method: clinical testing. Allele origin: unknown.
Comment: In the published literature, this variant has been reported in individuals with familial hypercholesterolemia (PMIDs: 16250003 (2005) and 20506408 (2010)). The frequency of this variant in the general population, 0.00065 (13/19948 chromosomes (Genome Aggregation Database)), is uninformative in the assessment of its pathogenicity. Analysis of this variant using bioinformatics tools for the prediction of the effect of amino acid changes on protein structure and function yielded predictions that this variant is benign. Based on the available information, we are unable to determine the clinical significance of this variant.

Ambry Genetics
Classification: Likely benign for Cardiovascular phenotype. Last evaluated: 2019-06-26. Review status: criteria provided, single submitter. Criteria: Ambry Variant Classification Scheme 2023. Collection method: clinical testing. Allele origin: germline.

GeneDx
Classification: Likely benign. Last evaluated: 2017-05-10. Review status: criteria provided, single submitter. Criteria: GeneDx Variant Classification (06012015). Collection method: clinical testing. Allele origin: germline. Affected: yes.
Comment: This variant is considered likely benign or benign based on one or more of the following criteria: it is a conservative change, it occurs at a poorly conserved position in the protein, it is predicted to be benign by multiple in silico algorithms, and/or has population frequency not consistent with disease.

Laboratory for Molecular Medicine, Mass General Brigham Personalized Medicine
Classification: Uncertain significance. Last evaluated: 2016-03-28. Review status: criteria provided, single submitter. Criteria: LMM Criteria. Collection method: clinical testing. Allele origin: germline.
Comment: Variant identified in a genome or exome case(s) and assessed due to predicted null impact of the variant or pathogenic assertions in the literature or databases. Disclaimer: This variant has not undergone full assessment. The following are preliminary notes: Described as nonpathogenic in the Netherlands

Laboratorium voor Moleculaire Diagnostiek Experimentele Vasculaire Geneeskunde, Academisch Medisch Centrum
Classification: Benign. Review status: no assertion criteria provided. Collection method: research. Allele origin: germline. Not counted in ClinVar's aggregate classification.

Literature cited by the submitters: PubMed 16250003 (cited by Quest Diagnostics Nichols Institute San Juan Capistrano); PubMed 20506408 (cited by Quest Diagnostics Nichols Institute San Juan Capistrano).

NM_000384.3(APOB):c.13154G>A (p.Arg4385His)

Gene: APOB (apolipoprotein B; minus strand). Cytogenetic location: 2p24.1.
Variant type: single nucleotide variant.
Coding change: c.13154G>A on transcript NM_000384.3 (MANE Select); coding-DNA position 13154, G replaced by A.
Protein change: p.Arg4385His; replaces arginine 4385 with histidine.
Molecular consequence: missense variant.
Genome position (GRCh38, 1-based): chr2:21,002,268, C>T on the plus strand (G>A on the coding strand, the complement: APOB is on the minus strand). VCF-style: chr2-21002268-C-T. GRCh37 (hg19) VCF-style: chr2-21225140-C-T.
Other names: short protein forms R4385H.
Identifiers: ClinVar variation 402374 (VCV000402374.16), dbSNP rs533755016, ClinGen allele CA051998.